The following is an entry in ClinVar:

ClinVar aggregate classification (germline): Likely risk allele (1 of 4 stars; one submission).

Conditions:
Maturity-onset diabetes of the young (MODY). Also called: Maturity onset diabetes mellitus in young. Identifiers: Orphanet 552, MedGen C0342276, MONDO:0018911, HP:0004904.

Allele frequency attached by ClinVar (database versions not stated): gnomAD exomes below 0.00001.
gnomAD v4.1: 1 of 1,613,130 alleles (0.000062%); highest among the groups gnomAD compares: East Asian, 0.0022%; no homozygotes.

Submission:

Clinical Genomics, Uppaluri K&H Personalized Medicine Clinic
Classification: Likely risk allele for Maturity-onset diabetes of the young. Review status: criteria provided, single submitter. Criteria: K & H Uppaluri Personalized Medicine Clinic Variant Classification & Assertion Criteria_Updated V.1. Collection method: research. Allele origin: unknown. Inheritance: Autosomal dominant inheritance.
Comment: Mutations in HNF1A gene can predispose to MODY3. It is associated with both micro and macrovascular complications of diabetes, especially cardiovascular complications. Associated with glucosuria. May respond well to sulfonylureas. However, more evidence is required to confer the association of this particular variant rs1265717222 with MODY3.

Literature cited by the submitters: PubMed 31517624; PubMed 32395877; PubMed 35328643; PubMed 35673428.

NM_000545.8(HNF1A):c.43G>A (p.Ala15Thr)

Gene: HNF1A (HNF1 homeobox A; plus strand). Cytogenetic location: 12q24.31.
Variant type: single nucleotide variant.
Coding change: c.43G>A on transcript NM_000545.8 (MANE Select); coding-DNA position 43, G replaced by A.
Protein change: p.Ala15Thr; replaces alanine 15 with threonine.
Molecular consequence: missense variant.
Genome position (GRCh38, 1-based): chr12:120,978,811, G>A. VCF-style: chr12-120978811-G-A. GRCh37 (hg19) VCF-style: chr12-121416614-G-A.
Other names: c.43G>A, p.Ala15Thr (NM_001306179.2, NM_001406915.1); short protein forms A15T.
Identifiers: ClinVar variation 1727230 (VCV001727230.1), dbSNP rs1265717222, ClinGen allele CA386952474.